The following is an entry in ClinVar:

ClinVar aggregate classification (germline): Uncertain significance (1 of 4 stars; one submission).

Submission:

Ambry Genetics
Classification: Uncertain significance. Last evaluated: 2026-04-20. Review status: criteria provided, single submitter. Criteria: Ambry Variant Classification Scheme 2023. Collection method: clinical testing. Allele origin: germline.
Comment: The p.Q1396R variant (also known as c.4187A>G), located in coding exon 19 of the WNK2 gene, results from an A to G substitution at nucleotide position 4187. The glutamine at codon 1396 is replaced by arginine, an amino acid with highly similar properties. This amino acid position is conserved. In addition, this alteration is predicted to be tolerated by in silico analysis. Based on the available evidence, the clinical significance of this variant remains unclear.

NM_006648.4(WNK2):c.4187A>G (p.Gln1396Arg)

Gene: WNK2 (WNK lysine deficient protein kinase 2; plus strand). Cytogenetic location: 9q22.31.
Variant type: single nucleotide variant.
Coding change: c.4187A>G on transcript NM_006648.4 (MANE Select); coding-DNA position 4187, A replaced by G.
Protein change: p.Gln1396Arg; replaces glutamine 1396 with arginine.
Molecular consequence: missense variant.
Genome position (GRCh38, 1-based): chr9:93,288,941, A>G. VCF-style: chr9-93288941-A-G. GRCh37 (hg19) VCF-style: chr9-96051223-A-G.
Other names: c.4298A>G, p.Gln1433Arg (NM_001282394.3); short protein forms Q1396R, Q1433R.
Identifiers: ClinVar variation 4866606 (VCV004866606.1).